The following is an entry in ClinVar:

NM_001845.6(COL4A1):c.1226G>A (p.Arg409Lys)

Gene: COL4A1 (collagen type IV alpha 1 chain; minus strand). Cytogenetic location: 13q34.
Variant type: single nucleotide variant.
Coding change: c.1226G>A on transcript NM_001845.6 (MANE Select); coding-DNA position 1226, G replaced by A.
Protein change: p.Arg409Lys; replaces arginine 409 with lysine.
Molecular consequence: missense variant.
Genome position (GRCh38, 1-based): chr13:110,198,526, C>T on the plus strand (G>A on the coding strand, the complement: COL4A1 is on the minus strand). VCF-style: chr13-110198526-C-T. GRCh37 (hg19) VCF-style: chr13-110850873-C-T.
Other names: c.1226G>A, p.Arg409Lys (NM_001303110.2); short protein forms R409K.
Identifiers: ClinVar variation 1513679 (VCV001513679.8), dbSNP rs747707990, ClinGen allele CA7048021.

ClinVar aggregate classification (germline): Uncertain significance. Review status: criteria provided, multiple submitters, no conflicts (2 of 4 stars). 3 submissions from 3 submitters: Uncertain significance (3). Last evaluated 2024-04-17.

Allele frequency attached by ClinVar (database versions not stated): gnomAD exomes below 0.00001 and 0.00001; TOPMed below 0.00001; ExAC 0.00001; gnomAD 0.00001.
gnomAD v4.1: 16 of 1,613,960 alleles (0.00099%); highest among the groups gnomAD compares: Non-Finnish European, 0.0012%; no homozygotes.

Submissions (3):

Women's Health and Genetics/Laboratory Corporation of America, LabCorp
Classification: Uncertain significance. Last evaluated: 2024-04-17. Review status: criteria provided, single submitter. Criteria: LabCorp Variant Classification Summary - May 2015. Collection method: clinical testing. Allele origin: germline.
Comment: Variant summary: COL4A1 c.1226G>A (p.Arg409Lys) results in a conservative amino acid change in the encoded protein sequence. Four of five in-silico tools predict a benign effect of the variant on protein function. The variant allele was found at a frequency of 4e-06 in 251350 control chromosomes. The available data on variant occurrences in the general population are insufficient to allow any conclusion about variant significance. To our knowledge, no occurrence of c.1226G>A in individuals affected with Porencephaly 1 and no experimental evidence demonstrating its impact on protein function have been reported. ClinVar contains an entry for this variant (Variation ID: 1513679). Based on the evidence outlined above, the variant was classified as uncertain significance.

Revvity Omics, Revvity
Classification: Uncertain significance. Last evaluated: 2024-01-29. Review status: criteria provided, single submitter. Criteria: ACMG Guidelines, 2015. Collection method: clinical testing. Allele origin: germline.

Labcorp Genetics (formerly Invitae), Labcorp
Classification: Uncertain significance. Last evaluated: 2022-10-07. Review status: criteria provided, single submitter. Criteria: Invitae Variant Classification Sherloc (09022015). Collection method: clinical testing. Allele origin: germline.
Comment: In summary, the available evidence is currently insufficient to determine the role of this variant in disease. Therefore, it has been classified as a Variant of Uncertain Significance. Advanced modeling of protein sequence and biophysical properties (such as structural, functional, and spatial information, amino acid conservation, physicochemical variation, residue mobility, and thermodynamic stability) performed at Invitae indicates that this missense variant is not expected to disrupt COL4A1 protein function. ClinVar contains an entry for this variant (Variation ID: 1513679). This variant has not been reported in the literature in individuals affected with COL4A1-related conditions. This variant is present in population databases (rs747707990, gnomAD 0.002%). This sequence change replaces arginine, which is basic and polar, with lysine, which is basic and polar, at codon 409 of the COL4A1 protein (p.Arg409Lys).